The following is an entry in ClinVar:

NM_000179.3(MSH6):c.1215T>G (p.Ser405=)

Gene: MSH6 (mutS homolog 6; plus strand). Cytogenetic location: 2p16.3.
Variant type: single nucleotide variant.
Coding change: c.1215T>G on transcript NM_000179.3 (MANE Select); coding-DNA position 1215, T replaced by G.
Protein change: p.Ser405=; no amino-acid change (serine 405 retained).
Molecular consequence: synonymous variant.
Genome position (GRCh38, 1-based): chr2:47,799,198, T>G. VCF-style: chr2-47799198-T-G. GRCh37 (hg19) VCF-style: chr2-48026337-T-G.
Other names: c.825T>G, p.Ser275= (NM_001281492.2); c.309T>G, p.Ser103= (NM_001281493.2, NM_001281494.2).
Identifiers: ClinVar variation 1544648 (VCV001544648.9), dbSNP rs2104328533, ClinGen allele CA426120834.

ClinVar aggregate classification (germline): Benign/Likely benign. Review status: criteria provided, multiple submitters, no conflicts (2 of 4 stars). 2 submissions from 2 submitters: Benign (1); Likely benign (1). Last evaluated 2024-12-23.

Conditions:
Hereditary nonpolyposis colorectal neoplasms. Identifiers: MedGen C0009405, MeSH D003123.
Lynch syndrome 5 (LYNCH5). Also called: Hereditary non-polyposis colorectal cancer, type 5; Colorectal cancer, hereditary nonpolyposis, type 5. Identifiers: Orphanet 144, MedGen C1833477, MONDO:0013710, OMIM 614350. Disease mechanism: loss of function.

Allele frequency attached by ClinVar (database versions not stated): gnomAD exomes below 0.00001.
gnomAD v4.1: 1 of 1,614,188 alleles (0.000062%); highest among the groups gnomAD compares: Non-Finnish European, 0.000085%; no homozygotes.

Submissions (2):

Myriad Genetics, Inc.
Classification: Benign for Lynch syndrome 5. Last evaluated: 2024-12-23. Review status: criteria provided, single submitter. Criteria: Myriad Autosomal Dominant, Autosomal Recessive and X-Linked Classification Criteria (2023). Collection method: clinical testing. Allele origin: unknown.
Comment: This variant is considered benign. This variant is a silent/synonymous amino acid change and it is not expected to impact splicing.

Labcorp Genetics (formerly Invitae), Labcorp
Classification: Likely benign for Hereditary nonpolyposis colorectal neoplasms. Last evaluated: 2021-03-29. Review status: criteria provided, single submitter. Criteria: Invitae Variant Classification Sherloc (09022015). Collection method: clinical testing. Allele origin: germline.